The following is an entry in ClinVar:

ClinVar aggregate classification (germline): Uncertain significance (1 of 4 stars; one submission).

Conditions:
Cockayne syndrome type 1. Also called: Cockayne syndrome type I; Cockayne syndrome classical; Cockayne syndrome classic form. Identifiers: Orphanet 191, Orphanet 90321, MedGen C0751039, MONDO:0019569, OMIM 216400.
UV-sensitive syndrome 2 (UVSS2). Identifiers: Orphanet 178338, MedGen C3553298, MONDO:0013829, OMIM 614621.

Submission:

Juno Genomics, Hangzhou Juno Genomics, Inc
Classification: Uncertain significance for UV-sensitive syndrome 2; Cockayne syndrome type 1. Review status: criteria provided, single submitter. Criteria: ACMG Guidelines, 2015. Collection method: clinical testing. Allele origin: germline.
Comment: Absent from controls (or at extremely low frequency if recessive) in Genome Aggregation Database.;Multiple lines of computational evidence support a deleterious effect on the gene or gene product.

NM_000082.4(ERCC8):c.446T>C (p.Met149Thr)

Gene: ERCC8 (ERCC excision repair 8, CSA ubiquitin ligase complex subunit; minus strand). Cytogenetic location: 5q12.1.
Variant type: single nucleotide variant.
Coding change: c.446T>C on transcript NM_000082.4 (MANE Select); coding-DNA position 446, T replaced by C.
Protein change: p.Met149Thr; replaces methionine 149 with threonine.
Molecular consequence: missense variant. On other transcripts: intron variant (1).
Genome position (GRCh38, 1-based): chr5:60,904,827, A>G on the plus strand (T>C on the coding strand, the complement: ERCC8 is on the minus strand). VCF-style: chr5-60904827-A-G. GRCh37 (hg19) VCF-style: chr5-60200654-A-G.
Other names: c.272T>C, p.Met91Thr (NM_001007233.3); c.446T>C, p.Met149Thr (NM_001007234.3); c.23-1111T>C (NM_001290285.2); short protein forms M149T, M91T.
Identifiers: ClinVar variation 5006908 (VCV005006908.2).